The following is an entry in ClinVar:

ClinVar aggregate classification (germline): Conflicting classifications of pathogenicity. Review status: criteria provided, conflicting classifications (1 of 4 stars). 2 submissions from 2 submitters: Uncertain significance (1); Likely benign (1). Last evaluated 2026-05-03.

Conditions:
Primary ciliary dyskinesia. Also called: Ciliary dyskinesia. Identifiers: Orphanet 244, MedGen C0008780, MONDO:0016575, HP:0012265.

Allele frequency attached by ClinVar (database versions not stated): ExAC 0.00002; TOPMed 0.00003; gnomAD 0.00005; gnomAD exomes 0.00005; ESP Exome Variant Server 0.00008; 1000 Genomes Project 30x 0.00031.
gnomAD v4.1: 77 of 1,614,024 alleles (0.0048%); highest among the groups gnomAD compares: Non-Finnish European, 0.006%; no homozygotes.

Submissions (2):

Ambry Genetics
Classification: Uncertain significance for Primary ciliary dyskinesia. Last evaluated: 2026-05-03. Review status: criteria provided, single submitter. Criteria: Ambry Variant Classification Scheme 2023. Collection method: clinical testing. Allele origin: germline.
Comment: The p.R2186Q variant (also known as c.6557G>A), located in coding exon 39 of the DNAH5 gene, results from a G to A substitution at nucleotide position 6557. The arginine at codon 2186 is replaced by glutamine, an amino acid with highly similar properties. This amino acid position is conserved. In addition, the in silico prediction for this alteration is inconclusive. Based on the available evidence, the clinical significance of this variant remains unclear.

Labcorp Genetics (formerly Invitae), Labcorp
Classification: Likely benign for Primary ciliary dyskinesia. Last evaluated: 2025-11-04. Review status: criteria provided, single submitter. Criteria: Invitae Variant Classification Sherloc (09022015). Collection method: clinical testing. Allele origin: germline.

NM_001369.3(DNAH5):c.6557G>A (p.Arg2186Gln)

Gene: DNAH5 (dynein axonemal heavy chain 5; minus strand). Cytogenetic location: 5p15.2.
Variant type: single nucleotide variant.
Coding change: c.6557G>A on transcript NM_001369.3 (MANE Select); coding-DNA position 6557, G replaced by A.
Protein change: p.Arg2186Gln; replaces arginine 2186 with glutamine.
Molecular consequence: missense variant.
Genome position (GRCh38, 1-based): chr5:13,824,221, C>T on the plus strand (G>A on the coding strand, the complement: DNAH5 is on the minus strand). VCF-style: chr5-13824221-C-T. GRCh37 (hg19) VCF-style: chr5-13824330-C-T.
Other names: c.6557G>A (NM_001369.2); short protein forms R2186Q.
Identifiers: ClinVar variation 2197907 (VCV002197907.5), dbSNP rs140130296, ClinGen allele CA3203361.
Genomic context (GRCh38, chr5:13,824,221, plus strand): 5'-ATCCAAGTAGGTGGAACACTTCCATCTGTGAGTCTTACCAGTTTAGAAAGATTCATGTCC[C>T]GTAGTACACGCATGACAATCGTGGACTCCGTATCCATTGGATTGGCTCTTTTTGCTGCTC-3'
Protein context (NP_001360.1, residues 2176-2196): TESTIVMRVL[Arg2186Gln]DMNLSKLIDE